The following is an entry in ClinVar:

NM_080916.3(DGUOK):c.-1G>A

Gene: DGUOK (deoxyguanosine kinase; plus strand). Cytogenetic location: 2p13.1.
Variant type: single nucleotide variant.
Coding change: c.-1G>A on transcript NM_080916.3 (MANE Select); 1 bases upstream of the start codon, G replaced by A.
Molecular consequence: 5 prime UTR variant. On other transcripts: non-coding transcript variant (6).
Genome position (GRCh38, 1-based): chr2:73,926,910, G>A. VCF-style: chr2-73926910-G-A. GRCh37 (hg19) VCF-style: chr2-74154037-G-A.
Other names: c.-1G>A (NM_001318859.2, NM_080918.3); c.-179G>A (NM_001318860.2, NM_001318863.2); c.-265G>A (NM_001318861.2, NM_001318862.2).
Identifiers: ClinVar variation 337044 (VCV000337044.13), dbSNP rs754623273, ClinGen allele CA1718117.
Genomic context (GRCh38, chr2:73,926,910, plus strand): 5'-AGCGATACCTAGGGCGGAAGTGCTCTCGGCGGAAGTGATCGCTGTGTGAATCGTGGGTGG[G>A]ATGGCCGCGGGCCGCCTCTTTCTAAGTCGGCTTCGAGCACCCTTCAGTTCCATGGCCAAG-3'

ClinVar aggregate classification (germline): Conflicting classifications of pathogenicity. Review status: criteria provided, conflicting classifications (1 of 4 stars). 4 submissions from 4 submitters: Uncertain significance (2); Likely benign (2). Last evaluated 2025-01-06.

Conditions:
Mitochondrial DNA depletion syndrome 3 (hepatocerebral type). Also called: MITOCHONDRIAL DNA DEPLETION SYNDROME 3; Deoxyguanosine Kinase Deficiency; Mitochondrial DNA depletion syndrome, hepatocerebral form due to DGUOK deficiency. Identifiers: Orphanet 279934, MedGen CN074093, MONDO:0009636, OMIM 251880.
DGUOK-related disorder. Also called: DGUOK-related condition.

Allele frequency attached by ClinVar (database versions not stated): TOPMed 0.00005; gnomAD 0.00010.

Submissions (4):

PreventionGenetics, part of Exact Sciences
Classification: Likely benign for DGUOK-related condition. Last evaluated: 2025-01-06. Review status: criteria provided, single submitter. Criteria: ACMG Guidelines, 2015. Collection method: clinical testing. Allele origin: germline.
Comment: This variant is classified as likely benign based on ACMG/AMP sequence variant interpretation guidelines (Richards et al. 2015 PMID: 25741868, with internal and published modifications).

GeneDx
Classification: Likely benign. Last evaluated: 2024-04-09. Review status: criteria provided, single submitter. Criteria: GeneDx Variant Classification Process June 2021. Collection method: clinical testing. Allele origin: germline. Affected: yes.
Comment: See Variant Classification Assertion Criteria.

Illumina Laboratory Services, Illumina
Classification: Uncertain significance for Mitochondrial DNA depletion syndrome 3 (hepatocerebral type). Last evaluated: 2018-01-12. Review status: criteria provided, single submitter. Criteria: ICSL Variant Classification Criteria 13 December 2019. Collection method: clinical testing. Allele origin: germline.

Eurofins Ntd Llc (ga)
Classification: Uncertain significance. Last evaluated: 2017-12-15. Review status: criteria provided, single submitter. Criteria: EGL Classification Definitions 2015. Collection method: clinical testing. Allele origin: germline. Observed: 2 variant alleles, 2 heterozygotes.